The following is an entry in ClinVar:

NM_006941.4(SOX10):c.61C>G (p.Arg21Gly)

Genes: POLR2F (RNA polymerase II, I and III subunit F; plus strand), SOX10 (SRY-box transcription factor 10; minus strand). Cytogenetic location: 22q13.1.
Variant type: single nucleotide variant.
Coding change: c.61C>G on transcript NM_006941.4 (MANE Select); coding-DNA position 61, C replaced by G.
Protein change: p.Arg21Gly; replaces arginine 21 with glycine.
Molecular consequence: missense variant. On other transcripts: intron variant (3).
Genome position (GRCh38, 1-based): chr22:37,983,724, G>C on the plus strand (C>G on the coding strand, the complement: SOX10 is on the minus strand). VCF-style: chr22-37983724-G-C. GRCh37 (hg19) VCF-style: chr22-38379731-G-C.
Other names: p.Arg21Gly; c.*38+11414G>C (NM_001363825.1); c.294-2430G>C (NM_001301130.2); c.293+16554G>C (NM_001301131.2); short protein forms R21G.
Identifiers: ClinVar variation 3380720 (VCV003380720.2).

ClinVar aggregate classification (germline): Uncertain significance. Review status: criteria provided, multiple submitters, no conflicts (2 of 4 stars). 2 submissions from 2 submitters: Uncertain significance (2). Last evaluated 2025-02-25.

Conditions:
Inborn genetic diseases. Identifiers: MedGen C0950123, MeSH D030342.

gnomAD v4.1: 5 of 1,491,392 alleles (0.00034%); highest among the groups gnomAD compares: Non-Finnish European, 0.00044%; no homozygotes.

Submissions (2):

Ambry Genetics
Classification: Uncertain significance for Inborn genetic diseases. Last evaluated: 2025-02-25. Review status: criteria provided, single submitter. Criteria: Ambry Variant Classification Scheme 2023. Collection method: clinical testing. Allele origin: germline.

Mayo Clinic Laboratories, Mayo Clinic
Classification: Uncertain significance. Last evaluated: 2024-01-19. Review status: criteria provided, single submitter. Criteria: ACMG Guidelines, 2015. Collection method: clinical testing. Allele origin: germline. Observed: 1 variant allele.
Comment: BP4, PM2_moderate